The following is an entry in ClinVar:

ClinVar aggregate classification (germline): Uncertain significance (1 of 4 stars; one submission).

Submission:

Labcorp Genetics (formerly Invitae), Labcorp
Classification: Uncertain significance. Last evaluated: 2023-03-20. Review status: criteria provided, single submitter. Criteria: Invitae Variant Classification Sherloc (09022015). Collection method: clinical testing. Allele origin: germline.
Comment: In summary, the available evidence is currently insufficient to determine the role of this variant in disease. Therefore, it has been classified as a Variant of Uncertain Significance. Advanced modeling of protein sequence and biophysical properties (such as structural, functional, and spatial information, amino acid conservation, physicochemical variation, residue mobility, and thermodynamic stability) has been performed at Invitae for this missense variant, however the output from this modeling did not meet the statistical confidence thresholds required to predict the impact of this variant on CACNA1E protein function. This variant has not been reported in the literature in individuals affected with CACNA1E-related conditions. This sequence change replaces cysteine, which is neutral and slightly polar, with tyrosine, which is neutral and polar, at codon 1055 of the CACNA1E protein (p.Cys1055Tyr). The frequency data for this variant in the population databases is considered unreliable, as metrics indicate poor data quality at this position in the gnomAD database.

NM_001205293.3(CACNA1E):c.3164G>A (p.Cys1055Tyr)

Gene: CACNA1E (calcium voltage-gated channel subunit alpha1 E; plus strand). Cytogenetic location: 1q25.3.
Variant type: single nucleotide variant.
Coding change: c.3164G>A on transcript NM_001205293.3 (MANE Select); coding-DNA position 3164, G replaced by A.
Protein change: p.Cys1055Tyr; replaces cysteine 1055 with tyrosine.
Molecular consequence: missense variant.
Genome position (GRCh38, 1-based): chr1:181,733,652, G>A. VCF-style: chr1-181733652-G-A. GRCh37 (hg19) VCF-style: chr1-181702788-G-A.
Other names: c.3164G>A, p.Cys1055Tyr (NM_000721.4); c.3107G>A, p.Cys1036Tyr (NM_001205294.2); short protein forms C1036Y, C1055Y.
Identifiers: ClinVar variation 2847865 (VCV002847865.3), dbSNP rs1440901074, ClinGen allele CA343621207.
Genomic context (GRCh38, chr1:181,733,652, plus strand): 5'-TGGGGAATGTGCAGCTAGACATGGGCCGGGTCATCAGCCAGAGCGAGCCTGACCTCTCCT[G>A]CATCACGGCCAACACGGACAAGGCCACCACCGAGAGCACCAGCGTCACCGTCGCCATCCC-3'
Protein context (NP_001192222.1, residues 1045-1065): VISQSEPDLS[Cys1055Tyr]ITANTDKATT